The following is an entry in ClinVar:

NM_000368.5(TSC1):c.2860A>C (p.Ile954Leu)

Gene: TSC1 (TSC complex subunit 1; minus strand). Cytogenetic location: 9q34.13.
Variant type: single nucleotide variant.
Coding change: c.2860A>C on transcript NM_000368.5 (MANE Select); coding-DNA position 2860, A replaced by C.
Protein change: p.Ile954Leu; replaces isoleucine 954 with leucine.
Molecular consequence: missense variant. On other transcripts: non-coding transcript variant (5).
Genome position (GRCh38, 1-based): chr9:132,897,299, T>G on the plus strand (A>C on the coding strand, the complement: TSC1 is on the minus strand). VCF-style: chr9-132897299-T-G. GRCh37 (hg19) VCF-style: chr9-135772686-T-G.
Other names: c.2857A>C, p.Ile953Leu (NM_001406598.1, NM_001406599.1, NM_001406600.1 and 2 more transcripts); c.2845A>C, p.Ile949Leu (NM_001406601.1, NM_001406602.1); c.2842A>C, p.Ile948Leu (NM_001406603.1, NM_001406604.1); c.2818A>C, p.Ile940Leu (NM_001406605.1, NM_001406606.1, NM_001406607.1); c.2497A>C, p.Ile833Leu (NM_001406617.1, NM_001406618.1, NM_001406619.1 and 4 more transcripts); c.2494A>C, p.Ile832Leu (NM_001406620.1, NM_001406621.1, NM_001406622.1 and 1 more transcripts); c.2455A>C, p.Ile819Leu (NM_001406624.1); c.2452A>C, p.Ile818Leu (NM_001406625.1); and 8 more; short protein forms I637L, I818L, I832L, I953L, I833L, I902L, I948L, I949L.
Identifiers: ClinVar variation 3715903 (VCV003715903.3).
Genomic context (GRCh38, chr9:132,897,299, plus strand): 5'-GGCCATCTTTCTCCAACCTGCCATATAAATCTAAGATCTCCAATTCAAACACCTGGGTTA[T>G]CCTTTTCTGAGCCTCATACCTGCTCTCTGCGGCCTGCAGCTGTCCTCTGAAAGATACAGA-3'
Protein context (NP_000359.1, residues 944-964): AESRYEAQKR[Ile954Leu]TQVFELEILD

ClinVar aggregate classification (germline): Uncertain significance. Review status: criteria provided, multiple submitters, no conflicts (2 of 4 stars). 2 submissions from 2 submitters: Uncertain significance (2). Last evaluated 2025-11-13.

Conditions:
Hereditary cancer-predisposing syndrome. Also called: Neoplastic Syndromes, Hereditary; Hereditary Cancer Syndrome; Hereditary neoplastic syndrome; Tumor predisposition. Identifiers: Orphanet 140162, MedGen C0027672, MeSH D009386, MONDO:0015356.
Tuberous sclerosis 1 (TSC1). Identifiers: Orphanet 805, MedGen C1854465, MONDO:0008612, OMIM 191100.

Submissions (2):

Ambry Genetics
Classification: Uncertain significance for Hereditary cancer-predisposing syndrome. Last evaluated: 2025-11-13. Review status: criteria provided, single submitter. Criteria: Ambry Variant Classification Scheme 2023. Collection method: clinical testing. Allele origin: germline.
Comment: The p.I954L variant (also known as c.2860A>C), located in coding exon 20 of the TSC1 gene, results from an A to C substitution at nucleotide position 2860. The isoleucine at codon 954 is replaced by leucine, an amino acid with highly similar properties. This amino acid position is well conserved in available vertebrate species. In addition, the in silico prediction for this alteration is inconclusive. Based on the available evidence, the clinical significance of this variant remains unclear.

Labcorp Genetics (formerly Invitae), Labcorp
Classification: Uncertain significance for Tuberous sclerosis 1. Last evaluated: 2024-05-06. Review status: criteria provided, single submitter. Criteria: Invitae Variant Classification Sherloc (09022015). Collection method: clinical testing. Allele origin: germline.
Comment: This sequence change replaces isoleucine, which is neutral and non-polar, with leucine, which is neutral and non-polar, at codon 954 of the TSC1 protein (p.Ile954Leu). This variant is not present in population databases (gnomAD no frequency). This variant has not been reported in the literature in individuals affected with TSC1-related conditions. Advanced modeling of protein sequence and biophysical properties (such as structural, functional, and spatial information, amino acid conservation, physicochemical variation, residue mobility, and thermodynamic stability) performed at Invitae indicates that this missense variant is not expected to disrupt TSC1 protein function with a negative predictive value of 95%. In summary, the available evidence is currently insufficient to determine the role of this variant in disease. Therefore, it has been classified as a Variant of Uncertain Significance.